The following is an entry in ClinVar:

NM_004204.5(PIGQ):c.1639C>A (p.Pro547Thr)

Gene: PIGQ (phosphatidylinositol glycan anchor biosynthesis class Q; plus strand). Cytogenetic location: 16p13.3.
Variant type: single nucleotide variant.
Coding change: c.1639C>A on transcript NM_004204.5 (MANE Select); coding-DNA position 1639, C replaced by A.
Protein change: p.Pro547Thr; replaces proline 547 with threonine.
Molecular consequence: missense variant.
Genome position (GRCh38, 1-based): chr16:582,928, C>A. VCF-style: chr16-582928-C-A. GRCh37 (hg19) VCF-style: chr16-632928-C-A.
Other names: c.1577C>A, p.Pro526His (NM_148920.4); short protein forms P547T, P526H.
Identifiers: ClinVar variation 2016047 (VCV002016047.4), dbSNP rs2505942957, ClinGen allele CA394061777.

ClinVar aggregate classification (germline): Uncertain significance (1 of 4 stars; one submission).

Conditions:
Epilepsy. Also called: Seizure disorder. Identifiers: MedGen C0014544, MeSH D004827, MONDO:0005027.

Submission:

Labcorp Genetics (formerly Invitae), Labcorp
Classification: Uncertain significance for Epilepsy. Last evaluated: 2024-05-06. Review status: criteria provided, single submitter. Criteria: Invitae Variant Classification Sherloc (09022015). Collection method: clinical testing. Allele origin: germline.
Comment: This sequence change replaces proline, which is neutral and non-polar, with threonine, which is neutral and polar, at codon 547 of the PIGQ protein (p.Pro547Thr). This variant is not present in population databases (gnomAD no frequency). This variant has not been reported in the literature in individuals affected with PIGQ-related conditions. ClinVar contains an entry for this variant (Variation ID: 2016047). Algorithms developed to predict the effect of missense changes on protein structure and function output the following: SIFT: "Not Available"; PolyPhen-2: "Benign"; Align-GVGD: "Not Available". The threonine amino acid residue is found in multiple mammalian species, which suggests that this missense change does not adversely affect protein function. In summary, the available evidence is currently insufficient to determine the role of this variant in disease. Therefore, it has been classified as a Variant of Uncertain Significance.